The following is an entry in ClinVar:

ClinVar aggregate classification (germline): Uncertain significance (1 of 4 stars; one submission).

Conditions:
Aneurysm-osteoarthritis syndrome. Also called: LOEYS-DIETZ SYNDROME WITH OSTEOARTHRITIS; SMAD3-Related Loeys-Dietz Syndrome; ANEURYSMS-OSTEOARTHRITIS SYNDROME; Loeys-Dietz syndrome, type 1C. Identifiers: Orphanet 284984, MedGen C3151087, MONDO:0013426, OMIM 613795.

Submission:

Illumina Laboratory Services, Illumina
Classification: Uncertain significance for Aneurysm-osteoarthritis syndrome. Last evaluated: 2024-02-16. Review status: criteria provided, single submitter. Criteria: ISL SNV Classification Criteria 03 February 2026. Collection method: clinical testing. Allele origin: unknown.
Comment: ACMG criteria applied: PM1, PS3_Supporting, PM2_Supporting, PP2

NM_005902.4(SMAD3):c.130A>G (p.Lys44Glu)

Gene: SMAD3 (SMAD family member 3; plus strand). Cytogenetic location: 15q22.33.
Variant type: single nucleotide variant.
Coding change: c.130A>G on transcript NM_005902.4 (MANE Select); coding-DNA position 130, A replaced by G.
Protein change: p.Lys44Glu; replaces lysine 44 with glutamic acid.
Molecular consequence: missense variant.
Genome position (GRCh38, 1-based): chr15:67,066,284, A>G. VCF-style: chr15-67066284-A-G. GRCh37 (hg19) VCF-style: chr15-67358622-A-G.
Other names: c.130A>G, p.Lys44Glu (NM_001407011.1, NM_001407012.1, NM_001407013.1); short protein forms K44E.
Identifiers: ClinVar variation 4759473 (VCV004759473.1).
Genomic context (GRCh38, chr15:67,066,284, plus strand): 5'-AACGGGCAGGAGGAGAAATGGTGCGAGAAGGCGGTCAAGAGCCTGGTCAAGAAACTCAAG[A>G]AGACGGGGCAGCTGGACGAGCTGGAGAAGGCCATCACCACGCAGAACGTCAACACCAAGT-3'
Protein context (NP_005893.1, residues 34-54): AVKSLVKKLK[Lys44Glu]TGQLDELEKA